The following is an entry in ClinVar:

ClinVar aggregate classification (germline): Pathogenic/Likely pathogenic. Review status: criteria provided, multiple submitters, no conflicts (2 of 4 stars). 2 submissions from 2 submitters: Pathogenic (1); Likely pathogenic (1). Last evaluated 2021-12-20.

Conditions:
Dermatitis, atopic, 2. Identifiers: MedGen C1853965, MONDO:0011596, OMIM 605803.
Ichthyosis vulgaris. Also called: ICHTHYOSIS SIMPLEX; Dominant ichthyosis vulgaris. Identifiers: MedGen C0079584, MONDO:0024304, OMIM 146700.

Allele frequency attached by ClinVar (database versions not stated): 1000 Genomes Project 30x 0.00016.
gnomAD v4.1: 24 of 1,613,814 alleles (0.0015%); highest among the groups gnomAD compares: East Asian, 0.013%; no homozygotes.

Submissions (2):

GeneDx
Classification: Pathogenic. Last evaluated: 2021-12-20. Review status: criteria provided, single submitter. Criteria: GeneDx Variant Classification Process June 2021. Collection method: clinical testing. Allele origin: germline. Affected: yes.
Comment: Nonsense variant in the C-terminus predicted to result in protein truncation, as the last 2267 amino acids are lost, and other loss-of-function variants have been reported downstream in the Human Gene Mutation Database (Stenson et al., 2014); This variant is associated with the following publications: (PMID: 21173567, 19958351, 19416262)

Juno Genomics, Hangzhou Juno Genomics, Inc
Classification: Likely pathogenic for Dermatitis, atopic, 2; Ichthyosis vulgaris. Review status: criteria provided, single submitter. Criteria: ACMG Guidelines, 2015. Collection method: clinical testing. Allele origin: germline.
Comment: Absent from controls (or at extremely low frequency if recessive) in Genome Aggregation Database.;Null variant in a gene where loss of function (LOF) is a known mechanism of disease.;For recessive disorders, detected in trans with a pathogenic variant.;Patient's phenotype or family history is highly specific for a disease with a single genetic etiology.

NM_002016.2(FLG):c.5383G>T (p.Glu1795Ter)

Genes: CCDST (cervical cancer associated DHX9 suppressive transcript; plus strand), FLG (filaggrin; minus strand). Cytogenetic location: 1q21.3.
Variant type: single nucleotide variant.
Coding change: c.5383G>T on transcript NM_002016.2 (MANE Select); coding-DNA position 5383, G replaced by T.
Protein change: p.Glu1795Ter; replaces glutamic acid 1795 with a stop codon.
Molecular consequence: nonsense.
Genome position (GRCh38, 1-based): chr1:152,309,503, C>A on the plus strand (G>T on the coding strand, the complement: FLG is on the minus strand). VCF-style: chr1-152309503-C-A. GRCh37 (hg19) VCF-style: chr1-152281979-C-A.
Other names: short protein forms E1795*.
Identifiers: ClinVar variation 1329633 (VCV001329633.6), dbSNP rs140424742, ClinGen allele CA1105791.